The following is an entry in ClinVar:

NM_001130965.3(SUN1):c.241G>C (p.Val81Leu)

Gene: SUN1 (Sad1 and UNC84 domain containing 1; plus strand). Cytogenetic location: 7p22.3.
Variant type: single nucleotide variant.
Coding change: c.241G>C on transcript NM_001130965.3 (MANE Select); coding-DNA position 241, G replaced by C.
Protein change: p.Val81Leu; replaces valine 81 with leucine.
Molecular consequence: missense variant. On other transcripts: 5 prime UTR variant (2), non-coding transcript variant (3), intron variant (2).
Genome position (GRCh38, 1-based): chr7:838,961, G>C. VCF-style: chr7-838961-G-C. GRCh37 (hg19) VCF-style: chr7-878598-G-C.
Other names: c.241G>C, p.Val81Leu (NM_001171944.2, NM_001171946.2, NM_001367633.1 and 34 more transcripts); c.304G>C, p.Val102Leu (NM_001171945.2); c.-217G>C (NM_001367635.1); c.91G>C, p.Val31Leu (NM_001367636.1, NM_001367637.1, NM_001367644.1 and 25 more transcripts); c.460G>C, p.Val154Leu (NM_001367651.1); c.-521G>C (NM_001367658.1); c.78-2985G>C (NM_001367695.1); c.-301-2985G>C (NM_001367639.1); short protein forms V31L, V102L, V154L, V81L.
Identifiers: ClinVar variation 2916738 (VCV002916738.3), dbSNP rs536171212, ClinGen allele CA366545175.

ClinVar aggregate classification (germline): Uncertain significance (1 of 4 stars; one submission).

Conditions:
Emery-Dreifuss muscular dystrophy (EDMD). Also called: Scapuloperoneal syndrome, X-linked (formerly); Humeroperoneal neuromuscular disease, (formerly). Identifiers: Orphanet 261, MedGen C0410189, MONDO:0016830.

gnomAD v4.1: 1 of 1,602,086 alleles (0.000062%); highest among the groups gnomAD compares: Non-Finnish European, 0.000085%; no homozygotes.

Submission:

Labcorp Genetics (formerly Invitae), Labcorp
Classification: Uncertain significance for Emery-Dreifuss muscular dystrophy. Last evaluated: 2022-11-07. Review status: criteria provided, single submitter. Criteria: Invitae Variant Classification Sherloc (09022015). Collection method: clinical testing. Allele origin: germline.
Comment: This variant has not been reported in the literature in individuals affected with SUN1-related conditions. In summary, the available evidence is currently insufficient to determine the role of this variant in disease. Therefore, it has been classified as a Variant of Uncertain Significance. Algorithms developed to predict the effect of missense changes on protein structure and function (SIFT, PolyPhen-2, Align-GVGD) all suggest that this variant is likely to be tolerated. This variant is not present in population databases (gnomAD no frequency). This sequence change replaces valine, which is neutral and non-polar, with leucine, which is neutral and non-polar, at codon 81 of the SUN1 protein (p.Val81Leu).